The following is an entry in ClinVar:

ClinVar aggregate classification (germline): Uncertain significance (1 of 4 stars; one submission).

Conditions:
Inborn genetic diseases. Identifiers: MedGen C0950123, MeSH D030342.

Submission:

Ambry Genetics
Classification: Uncertain significance for Inborn genetic diseases. Last evaluated: 2025-10-23. Review status: criteria provided, single submitter. Criteria: Ambry Variant Classification Scheme 2023. Collection method: clinical testing. Allele origin: germline.
Comment: The p.A707V variant (also known as c.2120C>T), located in coding exon 23 of the RTEL1 gene, results from a C to T substitution at nucleotide position 2120. The alanine at codon 707 is replaced by valine, an amino acid with similar properties. This amino acid position is conserved. In addition, the in silico prediction for this alteration is inconclusive. Based on the available evidence, the clinical significance of this variant remains unclear.

NM_001283009.2(RTEL1):c.2120C>T (p.Ala707Val)

Genes: RTEL1 (regulator of telomere elongation helicase 1; plus strand), RTEL1-TNFRSF6B (RTEL1-TNFRSF6B readthrough (NMD candidate); plus strand). Cytogenetic location: 20q13.33.
Variant type: single nucleotide variant.
Coding change: c.2120C>T on transcript NM_001283009.2 (MANE Select); coding-DNA position 2120, C replaced by T.
Protein change: p.Ala707Val; replaces alanine 707 with valine.
Molecular consequence: missense variant. On other transcripts: non-coding transcript variant (1).
Genome position (GRCh38, 1-based): chr20:63,689,844, C>T. VCF-style: chr20-63689844-C-T. GRCh37 (hg19) VCF-style: chr20-62321197-C-T.
Other names: c.1451C>T, p.Ala484Val (NM_001283010.1); c.2120C>T, p.Ala707Val (NM_016434.4); c.2192C>T, p.Ala731Val (NM_032957.5); short protein forms A484V, A731V, A707V.
Identifiers: ClinVar variation 4629563 (VCV004629563.1).
Genomic context (GRCh38, chr20:63,689,844, plus strand): 5'-CGTCCAGGGCTGTGAACCAGGCCATCGGGCGAGTGATCCGGCACCGCCAGGACTACGGAG[C>T]TGTCTTCCTCTGTGACCACAGGTGCGTGCAGTCCGGTGGCAGGCGCGGCGCCAGGGGACA-3'
Protein context (NP_001269938.1, residues 697-717): RVIRHRQDYG[Ala707Val]VFLCDHRFAF